The following is an entry in ClinVar:

NM_000096.4(CP):c.2677T>G (p.Leu893Val)

Gene: CP (ceruloplasmin; minus strand). Cytogenetic location: 3q24.
Variant type: single nucleotide variant.
Coding change: c.2677T>G on transcript NM_000096.4 (MANE Select); coding-DNA position 2677, T replaced by G.
Protein change: p.Leu893Val; replaces leucine 893 with valine.
Molecular consequence: missense variant. On other transcripts: non-coding transcript variant (1).
Genome position (GRCh38, 1-based): chr3:149,178,616, A>C on the plus strand (T>G on the coding strand, the complement: CP is on the minus strand). VCF-style: chr3-149178616-A-C. GRCh37 (hg19) VCF-style: chr3-148896403-A-C.
Other names: short protein forms L893V.
Identifiers: ClinVar variation 1373757 (VCV001373757.10), dbSNP rs769138783, ClinGen allele CA2660651.

ClinVar aggregate classification (germline): Uncertain significance. Review status: criteria provided, multiple submitters, no conflicts (2 of 4 stars). 2 submissions from 2 submitters: Uncertain significance (2). Last evaluated 2022-04-01.

Conditions:
Deficiency of ferroxidase (ACEP). Also called: NEURODEGENERATION WITH BRAIN IRON ACCUMULATION 10; Ceruloplasmin deficiency; Familial apoceruloplasmin deficiency; Hereditary ceruloplasmin deficiency; Deficiency of ceruloplasmin; Aceruloplasminemia. Identifiers: Orphanet 48818, MedGen C0878682, MONDO:0011426, OMIM 604290, HP:0025498.

Allele frequency attached by ClinVar (database versions not stated): ExAC 0.00001; gnomAD 0.00001; gnomAD exomes 0.00001.
gnomAD v4.1: 4 of 1,611,496 alleles (0.00025%); highest among the groups gnomAD compares: Admixed American, 0.0033%; no homozygotes.

Submissions (2):

Revvity Omics, Revvity
Classification: Uncertain significance for Deficiency of ferroxidase. Last evaluated: 2022-04-01. Review status: criteria provided, single submitter. Criteria: ACMG Guidelines, 2015. Collection method: clinical testing. Allele origin: germline.

Labcorp Genetics (formerly Invitae), Labcorp
Classification: Uncertain significance for Deficiency of ferroxidase. Last evaluated: 2021-08-15. Review status: criteria provided, single submitter. Criteria: Invitae Variant Classification Sherloc (09022015). Collection method: clinical testing. Allele origin: germline.
Comment: This sequence change replaces leucine with valine at codon 893 of the CP protein (p.Leu893Val). The leucine residue is highly conserved and there is a small physicochemical difference between leucine and valine. This variant is present in population databases (rs769138783, ExAC 0.009%). This variant has not been reported in the literature in individuals affected with CP-related conditions. Advanced modeling of protein sequence and biophysical properties (such as structural, functional, and spatial information, amino acid conservation, physicochemical variation, residue mobility, and thermodynamic stability) performed at Invitae indicates that this missense variant is expected to disrupt CP protein function. Algorithms developed to predict the effect of sequence changes on RNA splicing suggest that this variant may create or strengthen a splice site. In summary, the available evidence is currently insufficient to determine the role of this variant in disease. Therefore, it has been classified as a Variant of Uncertain Significance.